The following is an entry in ClinVar:

NM_001378778.1(MPDZ):c.1051C>T (p.Leu351Phe)

Gene: MPDZ (multiple PDZ domain crumbs cell polarity complex component; minus strand). Cytogenetic location: 9p23.
Variant type: single nucleotide variant.
Coding change: c.1051C>T on transcript NM_001378778.1 (MANE Select); coding-DNA position 1051, C replaced by T.
Protein change: p.Leu351Phe; replaces leucine 351 with phenylalanine.
Molecular consequence: missense variant.
Genome position (GRCh38, 1-based): chr9:13,219,594, G>A on the plus strand (C>T on the coding strand, the complement: MPDZ is on the minus strand). VCF-style: chr9-13219594-G-A. GRCh37 (hg19) VCF-style: chr9-13219593-G-A.
Other names: c.1051C>T, p.Leu351Phe (NM_001261406.2, NM_001261407.2, NM_001330637.2 and 14 more transcripts); short protein forms L351F.
Identifiers: ClinVar variation 728629 (VCV000728629.29), dbSNP rs3739757, ClinGen allele CA4987930.

ClinVar aggregate classification (germline): Conflicting classifications of pathogenicity. Review status: criteria provided, conflicting classifications (1 of 4 stars). 2 submissions from 2 submitters: Uncertain significance (1); Benign (1). Last evaluated 2025-11-03.

Allele frequency attached by ClinVar (database versions not stated): ESP Exome Variant Server 0.00008; gnomAD 0.00011 and 0.00030; TOPMed 0.00015; gnomAD exomes 0.00066 and 0.00092; ExAC 0.00082; 1000 Genomes Project 30x 0.00141; 1000 Genomes Project 0.00180.
gnomAD v4.1: 1,355 of 1,612,230 alleles (0.084%); highest among the groups gnomAD compares: East Asian, 3%; 32 homozygotes.

Submissions (2):

Labcorp Genetics (formerly Invitae), Labcorp
Classification: Benign. Last evaluated: 2025-11-03. Review status: criteria provided, single submitter. Criteria: Invitae Variant Classification Sherloc (09022015). Collection method: clinical testing. Allele origin: germline.

CeGaT Center for Human Genetics Tuebingen
Classification: Uncertain significance. Last evaluated: 2024-04-01. Review status: criteria provided, single submitter. Criteria: CeGaT Center For Human Genetics Tuebingen Variant Classification Criteria Version 2. Collection method: clinical testing. Allele origin: germline. Affected: yes. Observed: 1 variant allele.
Comment: MPDZ: PM2, BP4